The following is an entry in ClinVar:

ClinVar aggregate classification (germline): Uncertain significance (1 of 4 stars; one submission).

Submission:

Labcorp Genetics (formerly Invitae), Labcorp
Classification: Uncertain significance. Last evaluated: 2025-03-17. Review status: criteria provided, single submitter. Criteria: Invitae Variant Classification Sherloc (09022015). Collection method: clinical testing. Allele origin: germline.
Comment: This sequence change falls in intron 5 of the IFT74 gene. It does not directly change the encoded amino acid sequence of the IFT74 protein. It affects a nucleotide within the consensus splice site. This variant is not present in population databases (gnomAD no frequency). This variant has not been reported in the literature in individuals affected with IFT74-related conditions. ClinVar contains an entry for this variant (Variation ID: 1383554). Variants that disrupt the consensus splice site are a relatively common cause of aberrant splicing (PMID: 17576681, 9536098). Algorithms developed to predict the effect of sequence changes on RNA splicing suggest that this variant is not likely to affect RNA splicing. In summary, the available evidence is currently insufficient to determine the role of this variant in disease. Therefore, it has been classified as a Variant of Uncertain Significance.

Literature cited by the submitters: PubMed 17576681; PubMed 9536098.

NM_025103.4(IFT74):c.404+3_404+6del

Gene: IFT74 (intraflagellar transport 74; plus strand). Cytogenetic location: 9p21.2.
Variant type: Deletion.
Coding change: c.404+3_404+6del on transcript NM_025103.4 (MANE Select); bases 3 to 6 of the intron after coding-DNA position 404, 4 bases deleted (GAGT; older notation c.404+3_404+6delGAGT).
Molecular consequence: splice donor variant.
Genome position (GRCh38, 1-based): chr9:26,984,358-26,984,361, GAGT deleted; deleting any 4 consecutive bases within chr9:26,984,356-26,984,361 gives the same sequence; the c. name uses the placement nearest the transcript's 3' end. VCF-style (leftmost placement, unchanged base first): chr9-26984355-GGTGA-G. GRCh37 (hg19) VCF-style: chr9-26984353-GGTGA-G.
Other names: c.404+3_404+6del (NM_001099223.3, NM_001099222.3, NM_001349928.2 and 1 more transcripts).
Identifiers: ClinVar variation 1383554 (VCV001383554.6), dbSNP rs2131541200, ClinGen allele CA2573143691.